The following is an entry in ClinVar:

NM_000098.3(CPT2):c.314A>G (p.Gln105Arg)

Gene: CPT2 (carnitine palmitoyltransferase 2; plus strand). Cytogenetic location: 1p32.3.
Variant type: single nucleotide variant.
Coding change: c.314A>G on transcript NM_000098.3 (MANE Select); coding-DNA position 314, A replaced by G.
Protein change: p.Gln105Arg; replaces glutamine 105 with arginine.
Molecular consequence: missense variant.
Genome position (GRCh38, 1-based): chr1:53,202,403, A>G. VCF-style: chr1-53202403-A-G. GRCh37 (hg19) VCF-style: chr1-53668075-A-G.
Other names: c.314A>G, p.Gln105Arg (NM_001330589.2); short protein forms Q105R.
Identifiers: ClinVar variation 1432312 (VCV001432312.5), dbSNP rs753737707, ClinGen allele CA858942.

ClinVar aggregate classification (germline): Uncertain significance (1 of 4 stars; one submission).

Conditions:
Carnitine palmitoyltransferase II deficiency. Also called: Carnitine Palmitoyltransferase 2 Deficiency. Identifiers: Orphanet 157, MedGen C0342790, MONDO:0015515.

Allele frequency attached by ClinVar (database versions not stated): gnomAD exomes below 0.00001 and 0.00001; ExAC 0.00001.
gnomAD v4.1: 2 of 1,614,098 alleles (0.00012%); highest among the groups gnomAD compares: Non-Finnish European, 0.00017%; no homozygotes.

Submission:

Labcorp Genetics (formerly Invitae), Labcorp
Classification: Uncertain significance for Carnitine palmitoyltransferase II deficiency. Last evaluated: 2021-09-17. Review status: criteria provided, single submitter. Criteria: Invitae Variant Classification Sherloc (09022015). Collection method: clinical testing. Allele origin: germline.
Comment: This sequence change replaces glutamine with arginine at codon 105 of the CPT2 protein (p.Gln105Arg). The glutamine residue is moderately conserved and there is a small physicochemical difference between glutamine and arginine. This variant is present in population databases (rs753737707, ExAC 0.001%). This variant has not been reported in the literature in individuals with CPT2-related conditions. Advanced modeling of protein sequence and biophysical properties (such as structural, functional, and spatial information, amino acid conservation, physicochemical variation, residue mobility, and thermodynamic stability) performed at Invitae indicates that this missense variant is not expected to disrupt CPT2 protein function. In summary, the available evidence is currently insufficient to determine the role of this variant in disease. Therefore, it has been classified as a Variant of Uncertain Significance.